The following is an entry in ClinVar:

NM_000535.7(PMS2):c.1796A>G (p.Asp599Gly)

Gene: PMS2 (PMS1 homolog 2, mismatch repair system component; minus strand). Cytogenetic location: 7p22.1.
Variant type: single nucleotide variant.
Coding change: c.1796A>G on transcript NM_000535.7 (MANE Select); coding-DNA position 1796, A replaced by G.
Protein change: p.Asp599Gly; replaces aspartic acid 599 with glycine.
Molecular consequence: missense variant. On other transcripts: non-coding transcript variant (1).
Genome position (GRCh38, 1-based): chr7:5,986,969, T>C on the plus strand (A>G on the coding strand, the complement: PMS2 is on the minus strand). VCF-style: chr7-5986969-T-C. GRCh37 (hg19) VCF-style: chr7-6026600-T-C.
Other names: c.1391A>G, p.Asp464Gly (NM_001322003.2, NM_001322004.2, NM_001322005.2 and 1 more transcripts); c.1640A>G, p.Asp547Gly (NM_001322006.2); c.1478A>G, p.Asp493Gly (NM_001322007.2, NM_001322008.2); c.1235A>G, p.Asp412Gly (NM_001322010.2); c.863A>G, p.Asp288Gly (NM_001322011.2, NM_001322012.2); c.1223A>G, p.Asp408Gly (NM_001322013.2); c.1796A>G, p.Asp599Gly (NM_001322014.2); c.1487A>G, p.Asp496Gly (NM_001322015.2); short protein forms D599G, D412G, D493G, D408G, D464G, D288G, D496G, D547G.
Identifiers: ClinVar variation 486922 (VCV000486922.18), dbSNP rs878854039, ClinGen allele CA366739812.

ClinVar aggregate classification (germline): Conflicting classifications of pathogenicity. Review status: criteria provided, conflicting classifications (1 of 4 stars). 4 submissions from 4 submitters: Uncertain significance (3); Likely benign (1). Last evaluated 2025-08-17.

Conditions:
Hereditary cancer-predisposing syndrome. Also called: Tumor predisposition; Hereditary Cancer Syndrome; Hereditary neoplastic syndrome; Neoplastic Syndromes, Hereditary. Identifiers: Orphanet 140162, MedGen C0027672, MeSH D009386, MONDO:0015356.
Hereditary nonpolyposis colorectal neoplasms. Identifiers: MedGen C0009405, MeSH D003123.
Lynch syndrome. Identifiers: Orphanet 144, MedGen C4552100, MONDO:0005835. Disease mechanism: loss of function.

Allele frequency attached by ClinVar (database versions not stated): gnomAD exomes below 0.00001.
gnomAD v4.1: 4 of 1,614,080 alleles (0.00025%); highest among the groups gnomAD compares: Non-Finnish European, 0.00034%; no homozygotes.

Submissions (4):

Labcorp Genetics (formerly Invitae), Labcorp
Classification: Uncertain significance for Hereditary nonpolyposis colorectal neoplasms. Last evaluated: 2025-08-17. Review status: criteria provided, single submitter. Criteria: Invitae Variant Classification Sherloc (09022015). Collection method: clinical testing. Allele origin: germline.
Comment: This sequence change replaces aspartic acid, which is acidic and polar, with glycine, which is neutral and non-polar, at codon 599 of the PMS2 protein (p.Asp599Gly). This variant is not present in population databases (gnomAD no frequency). This variant has not been reported in the literature in individuals affected with PMS2-related conditions. ClinVar contains an entry for this variant (Variation ID: 486922). Invitae Evidence Modeling incorporating data from in vitro experimental studies (internal data) indicates that this missense variant is not expected to disrupt PMS2 function with a negative predictive value of 95%. In summary, the available evidence is currently insufficient to determine the role of this variant in disease. Therefore, it has been classified as a Variant of Uncertain Significance.

Color Diagnostics, LLC DBA Color Health
Classification: Uncertain significance for Hereditary cancer-predisposing syndrome. Last evaluated: 2024-03-06. Review status: criteria provided, single submitter. Criteria: ACMG Guidelines, 2015. Collection method: clinical testing. Allele origin: germline.
Comment: This missense variant replaces aspartic acid with glycine at codon 599 of the PMS2 protein. Computational prediction suggests that this variant may not impact protein structure and function (internally defined REVEL score threshold <= 0.5, PMID: 27666373). To our knowledge, functional studies have not been reported for this variant. This variant has not been reported in individuals affected with PMS2-related disorders in the literature. This variant has not been identified in the general population by the Genome Aggregation Database (gnomAD). The available evidence is insufficient to determine the role of this variant in disease conclusively. Therefore, this variant is classified as a Variant of Uncertain Significance.

Ambry Genetics
Classification: Likely benign for Hereditary cancer-predisposing syndrome. Last evaluated: 2023-12-07. Review status: criteria provided, single submitter. Criteria: Ambry Variant Classification Scheme 2023. Collection method: clinical testing. Allele origin: germline.

All of Us Research Program, National Institutes of Health
Classification: Uncertain significance for Lynch syndrome. Last evaluated: 2023-01-10. Review status: criteria provided, single submitter. Criteria: ACMG Guidelines, 2015. Collection method: clinical testing. Allele origin: germline. Inheritance: Autosomal dominant inheritance. Observed: 1 variant allele, 1 heterozygote.
Comment: This missense variant replaces aspartic acid with glycine at codon 599 of the PMS2 protein. Computational prediction suggests that this variant may not impact protein structure and function (internally defined REVEL score threshold <= 0.5, PMID: 27666373). To our knowledge, functional studies have not been reported for this variant. This variant has not been reported in individuals affected with PMS2-related disorders in the literature. This variant has not been identified in the general population by the Genome Aggregation Database (gnomAD). The available evidence is insufficient to determine the role of this variant in disease conclusively. Therefore, this variant is classified as a Variant of Uncertain Significance.

This study involves interpretation of variants in research participants for the purpose of population health screening. Participant phenotype was not available at the time of variant classification. Additional details can be found in publication PMID: 35346344, PMCID: PMC8962531